The following is an entry in ClinVar:

NM_005876.5(SPEG):c.7234T>C (p.Ser2412Pro)

Genes: ASIC4-AS1 (ASIC4 antisense RNA 1; minus strand), SPEG (striated muscle enriched protein kinase; plus strand). Cytogenetic location: 2q35.
Variant type: single nucleotide variant.
Coding change: c.7234T>C on transcript NM_005876.5 (MANE Select); coding-DNA position 7234, T replaced by C.
Protein change: p.Ser2412Pro; replaces serine 2412 with proline.
Molecular consequence: missense variant.
Genome position (GRCh38, 1-based): chr2:219,484,697, T>C. VCF-style: chr2-219484697-T-C. GRCh37 (hg19) VCF-style: chr2-220349419-T-C.
Other names: short protein forms S2412P.
Identifiers: ClinVar variation 2957537 (VCV002957537.3), dbSNP rs2545945526, ClinGen allele CA350701453.
Genomic context (GRCh38, chr2:219,484,697, plus strand): 5'-CGCTCGGTGCAGGACCTCAGGGCTGTCGGAGAGCCTGGCCTCGTCCGCCGCCTCTCGCTG[T>C]CACTGTCCCAGCGGCTGCGGCGGACCCCTCCCGCGCAGCGCCACCCGGCCTGGGAGGCCC-3'
Protein context (NP_005867.3, residues 2402-2422): EPGLVRRLSL[Ser2412Pro]LSQRLRRTPP

ClinVar aggregate classification (germline): Uncertain significance (1 of 4 stars; one submission).

Submission:

Labcorp Genetics (formerly Invitae), Labcorp
Classification: Uncertain significance. Last evaluated: 2023-08-23. Review status: criteria provided, single submitter. Criteria: Invitae Variant Classification Sherloc (09022015). Collection method: clinical testing. Allele origin: germline.
Comment: In summary, the available evidence is currently insufficient to determine the role of this variant in disease. Therefore, it has been classified as a Variant of Uncertain Significance. An algorithm developed to predict the effect of missense changes on protein structure and function (PolyPhen-2) suggests that this variant is likely to be disruptive. This variant has not been reported in the literature in individuals affected with SPEG-related conditions. This variant is not present in population databases (gnomAD no frequency). This sequence change replaces serine, which is neutral and polar, with proline, which is neutral and non-polar, at codon 2412 of the SPEG protein (p.Ser2412Pro).